The following is an entry in ClinVar:

NM_000536.4(RAG2):c.475C>T (p.Arg159Cys)

Gene: RAG2 (recombination activating 2; minus strand). Cytogenetic location: 11p12.
Variant type: single nucleotide variant.
Coding change: c.475C>T on transcript NM_000536.4 (MANE Select); coding-DNA position 475, C replaced by T.
Protein change: p.Arg159Cys; replaces arginine 159 with cysteine.
Molecular consequence: missense variant.
Genome position (GRCh38, 1-based): chr11:36,593,694, G>A on the plus strand (C>T on the coding strand, the complement: RAG2 is on the minus strand). VCF-style: chr11-36593694-G-A. GRCh37 (hg19) VCF-style: chr11-36615244-G-A.
Other names: c.475C>T, p.Arg159Cys (NM_001243785.2, NM_001243786.2); c.475C>T (NM_000536.3); short protein forms R159C.
Identifiers: ClinVar variation 1339534 (VCV001339534.16), dbSNP rs764485070, ClinGen allele CA5950570.

ClinVar aggregate classification (germline): Pathogenic/Likely pathogenic. Review status: criteria provided, multiple submitters, no conflicts (2 of 4 stars). 9 submissions from 9 submitters: Pathogenic (4); Likely pathogenic (5). Last evaluated 2026-08-01.

Conditions:
Severe combined immunodeficiency, autosomal recessive, T cell-negative, B cell-negative, NK cell-positive. Also called: SCID, T CELL-NEGATIVE, B CELL-NEGATIVE, NK CELL-POSITIVE; SCID, AR, T-cell negative, B-cell negative, NK cell-positive; Severe combined immunodeficiency due to complete RAG1/2 deficiency. Identifiers: Orphanet 331206, MedGen C1832322, MONDO:0011086, OMIM 601457.
Histiocytic medullary reticulosis. Also called: SEVERE COMBINED IMMUNODEFICIENCY WITH HYPEREOSINOPHILIA; Omenn syndrome. Identifiers: Orphanet 39041, MedGen C2700553, MONDO:0011338, OMIM 603554.
Combined immunodeficiency with skin granulomas. Identifiers: Orphanet 157949, MedGen C2673536, MONDO:0009306, OMIM 233650.
Severe combined immunodeficiency disease. Also called: Severe combined immunodeficiency; Severe Combined Immune Deficiency. Identifiers: Orphanet 183660, MedGen C0085110, MeSH D016511, MONDO:0015974, HP:0004430. Inheritance: X-Linked or Autosomal recessive.

Allele frequency attached by ClinVar (database versions not stated): ExAC 0.00002; gnomAD exomes 0.00002; gnomAD 0.00003 and 0.00004; TOPMed 0.00005.

Submissions (9):

CeGaT Center for Human Genetics Tuebingen
Classification: Likely pathogenic. Last evaluated: 2026-08-01. Review status: criteria provided, single submitter. Criteria: CeGaT Center For Human Genetics Tuebingen Variant Classification Criteria Version 2. Collection method: clinical testing. Allele origin: germline. Affected: yes. Observed: 1 variant allele.
Comment: RAG2: PM1, PM2, PM3

Dasa
Classification: Likely pathogenic. Last evaluated: 2025-08-22. Review status: criteria provided, single submitter. Criteria: DASA Assertion Criteria. Collection method: clinical testing. Allele origin: germline.
Comment: NM_000536.4(RAG2):c.475C>T (p.Arg159Cys) is a missense variant that results in the substitution of arginine with cysteine. The affected residue or protein region has prior evidence supporting clinical relevance. This variant has been recurrently observed in individuals with RAG2-related disorders (PMID: 28747913; PMID: 32655540; PMID: 32445296). Also, this variant is rare in population databases. Computational evidence supports a deleterious effect. Based on the currently available evidence, this variant is classified as likely pathogenic.

Women's Health and Genetics/Laboratory Corporation of America, LabCorp
Classification: Pathogenic for Severe combined immunodeficiency disease. Last evaluated: 2025-06-06. Review status: criteria provided, single submitter. Criteria: LabCorp Variant Classification Summary - May 2015. Collection method: clinical testing. Allele origin: germline.
Comment: Variant summary: RAG2 c.475C>T (p.Arg159Cys) results in a non-conservative amino acid change in the encoded protein sequence. Algorithms developed to predict the effect of missense changes on protein structure and function all suggest that this variant is likely to be disruptive. The variant allele was found at a frequency of 2e-05 in 250954 control chromosomes. c.475C>T has been observed in multiple individuals affected with Severe Combined Immunodeficiency (example: Schuetz_2014, Sharapova_2020, Firtina_2020). These data indicate that the variant is very likely to be associated with disease. The following publications have been ascertained in the context of this evaluation (PMID: 32445296, 32655540, 24144642). ClinVar contains an entry for this variant (Variation ID: 1339534). Based on the evidence outlined above, the variant was classified as pathogenic.

Natera, Inc.
Classification: Likely pathogenic for Omenn syndrome. Last evaluated: 2025-03-04. Review status: criteria provided, single submitter. Criteria: Natera Variant Classification Schema (03/2026). Collection method: clinical testing. Allele origin: germline.
Comment: The c.475C>T variant in RAG2 is a missense variant predicted to cause substitution of arginine to cysteine at amino acid 159. This variant is rare in the general population with a frequency below the threshold expected for the associated phenotype(s). This variant has been observed in one or more individuals affected with the associated recessive disease, as either homozygous or compound heterozygous with a second variant (PMID: 32655540, 35482138, 35874699, 38165471). Computational prediction algorithms indicate this variant is likely to affect gene or protein function. Given the available evidence, this variant is classified as Likely Pathogenic.

Labcorp Genetics (formerly Invitae), Labcorp
Classification: Pathogenic for Combined immunodeficiency with skin granulomas; Severe combined immunodeficiency, autosomal recessive, T cell-negative, B cell-negative, NK cell-positive. Last evaluated: 2025-02-22. Review status: criteria provided, single submitter. Criteria: Invitae Variant Classification Sherloc (09022015). Collection method: clinical testing. Allele origin: germline.
Comment: This sequence change replaces arginine, which is basic and polar, with cysteine, which is neutral and slightly polar, at codon 159 of the RAG2 protein (p.Arg159Cys). This variant is present in population databases (rs764485070, gnomAD 0.007%). This missense change has been observed in individual(s) with Omenn syndrome and/or severe combined immunodeficiency (PMID: 24144642, 28747913, 32445296, 32655540). ClinVar contains an entry for this variant (Variation ID: 1339534). Invitae Evidence Modeling of protein sequence and biophysical properties (such as structural, functional, and spatial information, amino acid conservation, physicochemical variation, residue mobility, and thermodynamic stability) indicates that this missense variant is expected to disrupt RAG2 protein function with a positive predictive value of 95%. For these reasons, this variant has been classified as Pathogenic.

GeneDx
Classification: Likely pathogenic. Last evaluated: 2024-02-08. Review status: criteria provided, single submitter. Criteria: GeneDx Variant Classification Process June 2021. Collection method: clinical testing. Allele origin: germline. Affected: yes.
Comment: Not observed at significant frequency in large population cohorts (gnomAD); In silico analysis supports that this missense variant has a deleterious effect on protein structure/function; This variant is associated with the following publications: (PMID: 34426522, 26996199, 27825771, 32445296, 32655540, 24144642, 35482138, 28747913)

Baylor Genetics
Classification: Pathogenic for Combined immunodeficiency with skin granulomas. Last evaluated: 2023-06-10. Review status: criteria provided, single submitter. Criteria: ACMG Guidelines, 2015. Collection method: clinical testing. Allele origin: unknown.

Genomics Facility, Ludwig-Maximilians-Universität München
Classification: Pathogenic for Severe combined immunodeficiency, autosomal recessive, T cell-negative, B cell-negative, NK cell-positive. Last evaluated: 2021-12-28. Review status: criteria provided, single submitter. Criteria: ACMG Guidelines, 2015. Collection method: clinical testing. Allele origin: biparental. Inheritance: Autosomal recessive inheritance. Affected: yes.

Fulgent Genetics
Classification: Likely pathogenic for Combined immunodeficiency with skin granulomas; Severe combined immunodeficiency, autosomal recessive, T cell-negative, B cell-negative, NK cell-positive; Histiocytic medullary reticulosis. Last evaluated: 2021-11-24. Review status: criteria provided, single submitter. Criteria: ACMG Guidelines, 2015. Collection method: clinical testing. Allele origin: unknown.

Literature cited by the submitters: PubMed 28747913 (cited by Dasa and Labcorp Genetics (formerly Invitae), Labcorp); PubMed 32655540 (cited by 4 submitters); PubMed 32445296 (cited by 3 submitters); PubMed 24144642 (cited by 3 submitters); PubMed 35482138 (cited by Natera, Inc.); PubMed 35874699 (cited by Natera, Inc.); PubMed 38165471 (cited by Natera, Inc.).